The following is an entry in ClinVar:

ClinVar aggregate classification (germline): Conflicting classifications of pathogenicity. Review status: criteria provided, conflicting classifications (1 of 4 stars). 2 submissions from 2 submitters: Uncertain significance (1); Likely benign (1). Last evaluated 2025-10-31.

Allele frequency attached by ClinVar (database versions not stated): ExAC 0.00003; gnomAD 0.00004; TOPMed 0.00004; gnomAD exomes 0.00006; ESP Exome Variant Server 0.00008.
gnomAD v4.1: 85 of 1,613,822 alleles (0.0053%); highest among the groups gnomAD compares: African/African-American, 0.0067%; no homozygotes.

Submissions (2):

Labcorp Genetics (formerly Invitae), Labcorp
Classification: Uncertain significance. Last evaluated: 2025-10-31. Review status: criteria provided, single submitter. Criteria: Invitae Variant Classification Sherloc (09022015). Collection method: clinical testing. Allele origin: germline.
Comment: This sequence change replaces valine, which is neutral and non-polar, with isoleucine, which is neutral and non-polar, at codon 275 of the SLC25A32 protein (p.Val275Ile). This variant is present in population databases (rs369101845, gnomAD 0.008%). This variant has not been reported in the literature in individuals affected with SLC25A32-related conditions. ClinVar contains an entry for this variant (Variation ID: 2085688). Invitae Evidence Modeling of protein sequence and biophysical properties (such as structural, functional, and spatial information, amino acid conservation, physicochemical variation, residue mobility, and thermodynamic stability) indicates that this missense variant is not expected to disrupt SLC25A32 protein function with a negative predictive value of 80%. In summary, the available evidence is currently insufficient to determine the role of this variant in disease. Therefore, it has been classified as a Variant of Uncertain Significance.

Ambry Genetics
Classification: Likely benign. Last evaluated: 2025-05-20. Review status: criteria provided, single submitter. Criteria: Ambry Variant Classification Scheme 2023. Collection method: clinical testing. Allele origin: germline.

NM_030780.5(SLC25A32):c.823G>A (p.Val275Ile)

Gene: SLC25A32 (solute carrier family 25 member 32; minus strand). Cytogenetic location: 8q22.3.
Variant type: single nucleotide variant.
Coding change: c.823G>A on transcript NM_030780.5 (MANE Select); coding-DNA position 823, G replaced by A.
Protein change: p.Val275Ile; replaces valine 275 with isoleucine.
Molecular consequence: missense variant. On other transcripts: non-coding transcript variant (2).
Genome position (GRCh38, 1-based): chr8:103,400,536, C>T on the plus strand (G>A on the coding strand, the complement: SLC25A32 is on the minus strand). VCF-style: chr8-103400536-C-T. GRCh37 (hg19) VCF-style: chr8-104412764-C-T.
Other names: c.823G>A (NM_030780.3); short protein forms V275I.
Identifiers: ClinVar variation 2085688 (VCV002085688.5), dbSNP rs369101845, ClinGen allele CA4835349.